The following is an entry in ClinVar:

ClinVar aggregate classification (germline): Conflicting classifications of pathogenicity. Review status: criteria provided, conflicting classifications (1 of 4 stars). 3 submissions from 3 submitters: Uncertain significance (2); Likely benign (1). Last evaluated 2023-03-23.

Conditions:
Hereditary cancer-predisposing syndrome. Also called: Tumor predisposition; Hereditary Cancer Syndrome; Hereditary neoplastic syndrome; Neoplastic Syndromes, Hereditary. Identifiers: Orphanet 140162, MedGen C0027672, MeSH D009386, MONDO:0015356.

Submissions (3):

Ambry Genetics
Classification: Uncertain significance for Hereditary cancer-predisposing syndrome. Last evaluated: 2023-03-23. Review status: criteria provided, single submitter. Criteria: Ambry Variant Classification Scheme 2023. Collection method: clinical testing. Allele origin: germline.
Comment: The p.G1761A variant (also known as c.5282G>C), located in coding exon 10 of the BRCA2 gene, results from a G to C substitution at nucleotide position 5282. The glycine at codon 1761 is replaced by alanine, an amino acid with similar properties. This amino acid position is conserved. In addition, this alteration is predicted to be tolerated by in silico analysis. Since supporting evidence is limited at this time, the clinical significance of this alteration remains unclear.

University of Washington Department of Laboratory Medicine, University of Washington
Classification: Likely benign for Hereditary cancer-predisposing syndrome. Last evaluated: 2023-03-23. Review status: criteria provided, single submitter. Criteria: Dines et al. (Genet Med. 2020). Collection method: curation. Allele origin: germline.
Comment: Missense variant in a coldspot region where missense variants are very unlikely to be pathogenic (PMID:31911673).

BRCA2 exon 11 coldspot. Reclassification based on statistical prior probability.

GeneDx
Classification: Uncertain significance. Last evaluated: 2014-02-04. Review status: criteria provided, single submitter. Criteria: GeneDx Variant Classification (06012015). Collection method: clinical testing. Allele origin: germline. Affected: yes.
Comment: This variant is denoted BRCA2 c.5282G>C at the cDNA level, p.Gly1761Ala (G1761A) at the protein level, and results in the change of a Glycine to an Alanine (GGA>GCA). This variant has not, to our knowledge, been published in the literature as pathogenic or benign. BRCA2 Gly1761Ala was not observed in approximately 6,500 individuals of European and African American ancestry in the NHLBI Exome Sequencing Project, indicating it is not a common benign variant in these populations. This variant is a conservative substitution of one neutral non-polar amino acid for another, altering a position that is highly variable throughout evolution and is not located in a known functional domain. In silico analyses predict this variant to have a benign effect on protein structure and function. Based on the currently available information, we consider BRCA2 Gly1761Ala to be a variant of uncertain significance.

NM_000059.4(BRCA2):c.5282G>C (p.Gly1761Ala)

Gene: BRCA2 (BRCA2 DNA repair associated; plus strand). Cytogenetic location: 13q13.1.
Variant type: single nucleotide variant.
Coding change: c.5282G>C on transcript NM_000059.4 (MANE Select); coding-DNA position 5282, G replaced by C.
Protein change: p.Gly1761Ala; replaces glycine 1761 with alanine.
Molecular consequence: missense variant.
Genome position (GRCh38, 1-based): chr13:32,339,637, G>C. VCF-style: chr13-32339637-G-C. GRCh37 (hg19) VCF-style: chr13-32913774-G-C.
Other names: p.G1761A:GGA>GCA; short protein forms G1761A.
Identifiers: ClinVar variation 182215 (VCV000182215.6), dbSNP rs80358752, ClinGen allele CA021942.